The following is an entry in ClinVar:

ClinVar aggregate classification (germline): Uncertain significance (1 of 4 stars; one submission).

Conditions:
Hereditary breast ovarian cancer syndrome. Also called: Hereditary breast and ovarian cancer syndrome (HBOC); Hereditary breast and ovarian cancer syndrome; Breast and ovarian cancer; Hereditary breast and/or ovarian cancer syndrome; Hereditary breast and ovarian cancer; BRCA1- and BRCA2-Associated Hereditary Breast and Ovarian Cancer. Identifiers: Orphanet 145, MedGen C0677776, MeSH D061325, MONDO:0003582. Disease mechanism: loss of function.

Allele frequency attached by ClinVar (database versions not stated): gnomAD exomes below 0.00001.
gnomAD v4.1: 1 of 1,614,166 alleles (0.000062%); highest among the groups gnomAD compares: African/African-American, 0.0013%; no homozygotes.

Submission:

Labcorp Genetics (formerly Invitae), Labcorp
Classification: Uncertain significance for Hereditary breast ovarian cancer syndrome. Last evaluated: 2021-07-15. Review status: criteria provided, single submitter. Criteria: Invitae Variant Classification Sherloc (09022015). Collection method: clinical testing. Allele origin: germline.
Comment: In summary, this variant is a novel missense change that is not predicted to affect protein function. There is no indication that it causes disease, but the available evidence is currently insufficient to prove that conclusively. Therefore, it has been classified as a Variant of Uncertain Significance. Algorithms developed to predict the effect of missense changes on protein structure and function output the following: (SIFT: "Tolerated"; PolyPhen-2: "Possibly Damaging"; Align-GVGD: "Class C0"). The threonine amino acid residue is found in multiple mammalian species, suggesting that this missense change does not adversely affect protein function. These predictions have not been confirmed by published functional studies. This variant is not present in population databases (ExAC no frequency) and has not been reported in the literature in individuals with a BRCA2-related disease. This sequence change replaces arginine with threonine at codon 2651 of the BRCA2 protein (p.Arg2651Thr). The arginine residue is moderately conserved and there is a moderate physicochemical difference between arginine and threonine.

NM_000059.4(BRCA2):c.7952G>C (p.Arg2651Thr)

Gene: BRCA2 (BRCA2 DNA repair associated; plus strand). Cytogenetic location: 13q13.1.
Variant type: single nucleotide variant.
Coding change: c.7952G>C on transcript NM_000059.4 (MANE Select); coding-DNA position 7952, G replaced by C.
Protein change: p.Arg2651Thr; replaces arginine 2651 with threonine.
Molecular consequence: missense variant.
Genome position (GRCh38, 1-based): chr13:32,362,669, G>C. VCF-style: chr13-32362669-G-C. GRCh37 (hg19) VCF-style: chr13-32936806-G-C.
Other names: short protein forms R2651T.
Identifiers: ClinVar variation 462459 (VCV000462459.9), dbSNP rs1555286866, ClinGen allele CA387747248.